The following is an entry in ClinVar:

NM_002474.3(MYH11):c.3949C>G (p.Leu1317Val)

Genes: MYH11 (myosin heavy chain 11; minus strand), NDE1 (nudE neurodevelopment protein 1; plus strand). Cytogenetic location: 16p13.11.
Variant type: single nucleotide variant.
Coding change: c.3949C>G on transcript NM_002474.3 (MANE Select); coding-DNA position 3949, C replaced by G.
Protein change: p.Leu1317Val; replaces leucine 1317 with valine.
Molecular consequence: missense variant. On other transcripts: 3 prime UTR variant (2).
Genome position (GRCh38, 1-based): chr16:15,724,902, G>C on the plus strand (C>G on the coding strand, the complement: MYH11 is on the minus strand). VCF-style: chr16-15724902-G-C. GRCh37 (hg19) VCF-style: chr16-15818759-G-C.
Other names: c.3970C>G, p.Leu1324Val (NM_001040113.2, NM_001040114.2); c.3949C>G, p.Leu1317Val (NM_022844.3); c.*651G>C (NM_001143979.2, NM_017668.3); short protein forms L1324V, L1317V.
Identifiers: ClinVar variation 1736401 (VCV001736401.3), dbSNP rs141159831, ClinGen allele CA394858831.

ClinVar aggregate classification (germline): Uncertain significance. Review status: criteria provided, multiple submitters, no conflicts (2 of 4 stars). 2 submissions from 2 submitters: Uncertain significance (2). Last evaluated 2024-05-04.

Conditions:
Familial thoracic aortic aneurysm and aortic dissection (TAAD). Also called: Thoracic aortic aneurysms and dissections. Identifiers: Orphanet 91387, MedGen C4707243, MONDO:0019625.

Submissions (2):

Color Diagnostics, LLC DBA Color Health
Classification: Uncertain significance for Familial thoracic aortic aneurysm and aortic dissection. Last evaluated: 2024-05-04. Review status: criteria provided, single submitter. Criteria: ACMG Guidelines, 2015. Collection method: clinical testing. Allele origin: germline.
Comment: This missense variant replaces leucine with valine at codon 1324 of the MYH11 protein. Computational prediction is inconclusive regarding the impact of this variant on protein structure and function (internally defined REVEL score threshold 0.5 < inconclusive < 0.7, PMID: 27666373). To our knowledge, functional studies have not been reported for this variant. This variant has not been reported in individuals affected with MYH11-related disorders in the literature. This variant has not been identified in the general population by the Genome Aggregation Database (gnomAD). The available evidence is insufficient to determine the role of this variant in disease conclusively. Therefore, this variant is classified as a Variant of Uncertain Significance.

Ambry Genetics
Classification: Uncertain significance for Familial thoracic aortic aneurysm and aortic dissection. Last evaluated: 2022-02-20. Review status: criteria provided, single submitter. Criteria: Ambry Variant Classification Scheme 2023. Collection method: clinical testing. Allele origin: germline.
Comment: The p.L1317V variant (also known as c.3949C>G), located in coding exon 28 of the MYH11 gene, results from a C to G substitution at nucleotide position 3949. The leucine at codon 1317 is replaced by valine, an amino acid with highly similar properties. This amino acid position is conserved. In addition, the in silico prediction for this alteration is inconclusive. Since supporting evidence is limited at this time, the clinical significance of this alteration remains unclear.